The following is an entry in ClinVar:

NM_006904.7(PRKDC):c.2496G>C (p.Lys832Asn)

Gene: PRKDC (protein kinase, DNA-activated, catalytic subunit; minus strand). Cytogenetic location: 8q11.21.
Variant type: single nucleotide variant.
Coding change: c.2496G>C on transcript NM_006904.7 (MANE Select); coding-DNA position 2496, G replaced by C.
Protein change: p.Lys832Asn; replaces lysine 832 with asparagine.
Molecular consequence: missense variant.
Genome position (GRCh38, 1-based): chr8:47,918,307, C>G on the plus strand (G>C on the coding strand, the complement: PRKDC is on the minus strand). VCF-style: chr8-47918307-C-G. GRCh37 (hg19) VCF-style: chr8-48830867-C-G.
Other names: c.2496G>C, p.Lys832Asn (NM_001081640.2); short protein forms K832N.
Identifiers: ClinVar variation 2449816 (VCV002449816.2), dbSNP rs1014173118, ClinGen allele CA371160356.
Genomic context (GRCh38, chr8:47,918,307, plus strand): 5'-AAGGTACAGAAAATACAAAGGACTTCTTACTGATGAAAGGTTCTTTGTCTTCTTCAGATG[C>G]TTTAACACCACTTTATTAAATCCTTTCTGGGCAGCCCGAGAAAGAGCTGACACTTCCCAG-3'
Protein context (NP_008835.5, residues 822-842): AQKGFNKVVL[Lys832Asn]HLKKTKNLSS

ClinVar aggregate classification (germline): Uncertain significance (1 of 4 stars; one submission).

Submission:

Ambry Genetics
Classification: Uncertain significance. Last evaluated: 2022-11-15. Review status: criteria provided, single submitter. Criteria: Ambry Variant Classification Scheme 2023. Collection method: clinical testing. Allele origin: germline.
Comment: The p.K832N variant (also known as c.2496G>C), located in coding exon 22 of the PRKDC gene, results from a G to C substitution at nucleotide position 2496. The lysine at codon 832 is replaced by asparagine, an amino acid with similar properties. This amino acid position is conserved. In addition, this alteration is predicted to be tolerated by in silico analysis. Since supporting evidence is limited at this time, the clinical significance of this alteration remains unclear.